The following is an entry in ClinVar:

NM_001378969.1(KCND3):c.989T>C (p.Met330Thr)

Gene: KCND3 (potassium voltage-gated channel subfamily D member 3; minus strand). Cytogenetic location: 1p13.2.
Variant type: single nucleotide variant.
Coding change: c.989T>C on transcript NM_001378969.1 (MANE Select); coding-DNA position 989, T replaced by C.
Protein change: p.Met330Thr; replaces methionine 330 with threonine.
Molecular consequence: missense variant.
Genome position (GRCh38, 1-based): chr1:111,981,738, A>G on the plus strand (T>C on the coding strand, the complement: KCND3 is on the minus strand). VCF-style: chr1-111981738-A-G. GRCh37 (hg19) VCF-style: chr1-112524360-A-G.
Other names: c.989T>C, p.Met330Thr (NM_001378970.1, NM_004980.5, NM_172198.3); short protein forms M330T.
Identifiers: ClinVar variation 4770813 (VCV004770813.1).

ClinVar aggregate classification (germline): Uncertain significance (1 of 4 stars; one submission).

Conditions:
Spinocerebellar ataxia type 19/22 (SCA19). Also called: SPINOCEREBELLAR ATAXIA 19; SPINOCEREBELLAR ATAXIA 22. Identifiers: Orphanet 98772, MedGen C1846367, MONDO:0011819, OMIM 607346.

Submission:

Labcorp Genetics (formerly Invitae), Labcorp
Classification: Uncertain significance for Spinocerebellar ataxia type 19/22. Last evaluated: 2025-06-15. Review status: criteria provided, single submitter. Criteria: Invitae Variant Classification Sherloc (09022015). Collection method: clinical testing. Allele origin: germline.
Comment: This sequence change replaces methionine, which is neutral and non-polar, with threonine, which is neutral and polar, at codon 330 of the KCND3 protein (p.Met330Thr). This variant is not present in population databases (gnomAD no frequency). This variant has not been reported in the literature in individuals affected with KCND3-related conditions. Invitae Evidence Modeling of protein sequence and biophysical properties (such as structural, functional, and spatial information, amino acid conservation, physicochemical variation, residue mobility, and thermodynamic stability) has been performed for this missense variant. However, the output from this modeling did not meet the statistical confidence thresholds required to predict the impact of this variant on KCND3 protein function. In summary, the available evidence is currently insufficient to determine the role of this variant in disease. Therefore, it has been classified as a Variant of Uncertain Significance.